The following is an entry in ClinVar:

ClinVar aggregate classification (germline): Uncertain significance. Review status: criteria provided, multiple submitters, no conflicts (2 of 4 stars). 2 submissions from 2 submitters: Uncertain significance (2). Last evaluated 2023-04-26.

Conditions:
Inborn genetic diseases. Identifiers: MedGen C0950123, MeSH D030342.

Allele frequency attached by ClinVar (database versions not stated): gnomAD 0.00001.
gnomAD v4.1: 1 of 1,610,980 alleles (0.000062%); highest among the groups gnomAD compares: African/African-American, 0.0013%; no homozygotes.

Submissions (2):

Ambry Genetics
Classification: Uncertain significance for Inborn genetic diseases. Last evaluated: 2023-04-26. Review status: criteria provided, single submitter. Criteria: Ambry Variant Classification Scheme 2023. Collection method: clinical testing. Allele origin: germline.

Labcorp Genetics (formerly Invitae), Labcorp
Classification: Uncertain significance. Last evaluated: 2022-08-07. Review status: criteria provided, single submitter. Criteria: Invitae Variant Classification Sherloc (09022015). Collection method: clinical testing. Allele origin: germline.
Comment: This variant has not been reported in the literature in individuals affected with DMXL2-related conditions. This variant is present in population databases (no rsID available, gnomAD 0.01%). This sequence change replaces glutamic acid, which is acidic and polar, with valine, which is neutral and non-polar, at codon 890 of the DMXL2 protein (p.Glu890Val). Algorithms developed to predict the effect of missense changes on protein structure and function (SIFT, PolyPhen-2, Align-GVGD) all suggest that this variant is likely to be disruptive. In summary, the available evidence is currently insufficient to determine the role of this variant in disease. Therefore, it has been classified as a Variant of Uncertain Significance.

NM_001378457.1(DMXL2):c.2669A>T (p.Glu890Val)

Gene: DMXL2 (Dmx like 2; minus strand). Cytogenetic location: 15q21.2.
Variant type: single nucleotide variant.
Coding change: c.2669A>T on transcript NM_001378457.1 (MANE Select); coding-DNA position 2669, A replaced by T.
Protein change: p.Glu890Val; replaces glutamic acid 890 with valine.
Molecular consequence: missense variant. On other transcripts: non-coding transcript variant (2).
Genome position (GRCh38, 1-based): chr15:51,507,229, T>A on the plus strand (A>T on the coding strand, the complement: DMXL2 is on the minus strand). VCF-style: chr15-51507229-T-A. GRCh37 (hg19) VCF-style: chr15-51799426-T-A.
Other names: c.2669A>T, p.Glu890Val (NM_001174116.3, NM_001174117.3, NM_001378458.1 and 6 more transcripts); c.2429A>T, p.Glu810Val (NM_001378464.1); c.2669A>T (NM_001174116.1); short protein forms E890V, E810V.
Identifiers: ClinVar variation 1938712 (VCV001938712.7), dbSNP rs1485595567, ClinGen allele CA392439393.